The following is an entry in ClinVar:

ClinVar aggregate classification (germline): Pathogenic. Review status: criteria provided, multiple submitters, no conflicts (2 of 4 stars). 7 submissions from 7 submitters: Pathogenic (6). 1 of the submissions does not count toward it. Last evaluated 2025-09-10.

Conditions:
Ichthyosis linearis circumflexa. Identifiers: MedGen C0265962, MONDO:0043106, HP:0025810.
Netherton syndrome (NETH). Also called: NETHERTON DISEASE; ERYTHRODERMA, ICHTHYOSIFORM, WITH HYPOTRICHOSIS AND HYPER-IgE; COMEL-NETHERTON SYNDROME. Identifiers: Orphanet 634, MedGen C5574950, MONDO:0009735, OMIM 256500.

Submissions (7):

Genomic Medicine Center of Excellence, King Faisal Specialist Hospital and Research Centre
Classification: Pathogenic for Netherton syndrome. Last evaluated: 2025-09-10. Review status: criteria provided, single submitter. Criteria: ACMG Guidelines, 2015. Collection method: clinical testing. Allele origin: germline.

Women's Health and Genetics/Laboratory Corporation of America, LabCorp
Classification: Pathogenic for Ichthyosis linearis circumflexa. Last evaluated: 2025-04-09. Review status: criteria provided, single submitter. Criteria: LabCorp Variant Classification Summary - May 2015. Collection method: clinical testing. Allele origin: germline.
Comment: Variant summary: SPINK5 c.2468delA (p.Lys823ArgfsX119) results in a premature termination codon, predicted to cause a truncation of the encoded protein or absence of the protein due to nonsense mediated decay, which are commonly known mechanisms for disease. The variant allele was found at a frequency of 0.0041 in 131578 control chromosomes. c.2468delA has been reported in the literature in the compound heterozygous state in at least one individual affected with Netherton syndrome (Bitoun_2002). The following publication has been ascertained in the context of this evaluation (PMID: 11841556). ClinVar contains an entry for this variant (Variation ID: 523932). Based on the evidence outlined above, the variant was classified as pathogenic.

Fulgent Genetics
Classification: Pathogenic for Netherton syndrome. Last evaluated: 2024-06-05. Review status: criteria provided, single submitter. Criteria: ACMG Guidelines, 2015. Collection method: clinical testing. Allele origin: germline.

GeneDx
Classification: Pathogenic. Last evaluated: 2023-12-09. Review status: criteria provided, single submitter. Criteria: GeneDx Variant Classification Process June 2021. Collection method: clinical testing. Allele origin: germline. Affected: yes.
Comment: Frameshift variant predicted to result in protein truncation or nonsense mediated decay in a gene for which loss-of-function is a known mechanism of disease; This variant is associated with the following publications: (PMID: 12923596, 27905021, 11841556, 26229701, 36262015, 31980526)

Labcorp Genetics (formerly Invitae), Labcorp
Classification: Pathogenic for Ichthyosis linearis circumflexa. Last evaluated: 2023-07-16. Review status: criteria provided, single submitter. Criteria: Invitae Variant Classification Sherloc (09022015). Collection method: clinical testing. Allele origin: germline.
Comment: For these reasons, this variant has been classified as Pathogenic. ClinVar contains an entry for this variant (Variation ID: 523932). This premature translational stop signal has been observed in individual(s) with Netherton syndrome (PMID: 11841556, 12923596, 26229701). The frequency data for this variant in the population databases is considered unreliable, as metrics indicate poor data quality at this position in the gnomAD database. This sequence change creates a premature translational stop signal (p.Lys823Argfs*101) in the SPINK5 gene. It is expected to result in an absent or disrupted protein product. Loss-of-function variants in SPINK5 are known to be pathogenic (PMID: 11511292, 11841556).

Juno Genomics, Hangzhou Juno Genomics, Inc
Classification: Pathogenic for Netherton syndrome. Review status: criteria provided, single submitter. Criteria: ACMG Guidelines, 2015. Collection method: clinical testing. Allele origin: germline. Affected: yes.
Comment: Absent from controls (or at extremely low frequency if recessive) in Genome Aggregation Database, Exome Sequencing Project, 1000 Genomes Project, or Exome Aggregation Consortium.;Null variant in a gene where loss of function (LOF) is a known mechanism of disease.;For recessive disorders, detected in trans with a pathogenic variant.;Patient's phenotype or family history is highly specific for a disease with a single genetic etiology.

Reproductive Health Research and Development, BGI Genomics
Classification: Pathogenic for Netherton syndrome. Last evaluated: 2020-01-06. Review status: no assertion criteria provided. Collection method: curation. Allele origin: germline. Not counted in ClinVar's aggregate classification.
Comment: NM_006846.3:c.2468delA in the SPINK5 gene has an allele frequency of 0.005 in South subpopulation in the gnomAD database. This variant has been reported previously in individuals with Netherton syndrome, including one compound heterozygote 1608-1G>A/2468delA and one homozygote (PMID: 11841556). The c.2468delA variant causes a frameshift starting with codon Lysine 823, changes this amino acid to an Arginine residue, and creates a premature Stop codon at position 101 of the new reading frame, denoted p.Lys823Argfs*101. This variant is predicted to cause loss of normal protein function either through protein truncation or nonsense-mediated mRNA decay. Taken together, we interprete this variant as Pathogenic/Likely pathogenic variant. ACMG/AMP Criteria applied: PVS1; PM3; PP4.

Literature cited by the submitters: PubMed 11841556 (cited by Women's Health and Genetics/Laboratory Corporation of America, LabCorp and Labcorp Genetics (formerly Invitae), Labcorp); PubMed 12923596 (cited by Labcorp Genetics (formerly Invitae), Labcorp); PubMed 26229701 (cited by Labcorp Genetics (formerly Invitae), Labcorp); PubMed 11511292 (cited by Labcorp Genetics (formerly Invitae), Labcorp).

NM_006846.4(SPINK5):c.2468del (p.Lys823fs)

Gene: SPINK5 (serine peptidase inhibitor Kazal type 5; plus strand). Cytogenetic location: 5q32.
Variant type: Deletion.
Coding change: c.2468del on transcript NM_006846.4 (MANE Select); coding-DNA position 2468, one base deleted (A; older notation c.2468delA).
Protein change: p.Lys823fs; shifts the reading frame from lysine 823.
Molecular consequence: frameshift variant.
Genome position (GRCh38, 1-based): chr5:148,120,321, A deleted; the last of 10 consecutive A bases (chr5:148,120,312-148,120,321); deleting any one gives the same sequence. VCF-style (leftmost placement, unchanged base first): chr5-148120311-GA-G. GRCh37 (hg19) VCF-style: chr5-147499874-GA-G.
Other names: c.2468del, p.Lys823fs (NM_001127698.2, NM_001127699.2); c.2468delA (NM_006846.3, NM_001127698.2); short protein forms K823fs.
Identifiers: ClinVar variation 523932 (VCV000523932.19), dbSNP rs565782662, ClinGen allele CA3496004.